The following is an entry in ClinVar:

NM_001199138.2(NLRC4):c.1754A>C (p.Tyr585Ser)

Gene: NLRC4 (NLR family CARD domain containing 4; minus strand). Cytogenetic location: 2p22.3.
Variant type: single nucleotide variant.
Coding change: c.1754A>C on transcript NM_001199138.2 (MANE Select); coding-DNA position 1754, A replaced by C.
Protein change: p.Tyr585Ser; replaces tyrosine 585 with serine.
Molecular consequence: missense variant. On other transcripts: intron variant (1).
Genome position (GRCh38, 1-based): chr2:32,250,110, T>G on the plus strand (A>C on the coding strand, the complement: NLRC4 is on the minus strand). VCF-style: chr2-32250110-T-G. GRCh37 (hg19) VCF-style: chr2-32475179-T-G.
Other names: c.1754A>C, p.Tyr585Ser (NM_001199139.2, NM_021209.5); c.262+2309A>C (NM_001302504.1); short protein forms Y585S.
Identifiers: ClinVar variation 1022007 (VCV001022007.8), dbSNP rs763410160, ClinGen allele CA346511774.
Genomic context (GRCh38, chr2:32,250,110, plus strand): 5'-CAATTGGGCAAATGTTCAAAGAAGTCAAATAAGTAATCGGGGATGTTCCCTGAGTTGATA[T>G]ATAAGCTTTTACCTTGAAAGAAAGCTTCAAATTCTTGGCTCAGGGCTGATTTGGATGTAC-3'
Protein context (NP_001186067.1, residues 575-595): FEAFFQGKSL[Tyr585Ser]INSGNIPDYL

ClinVar aggregate classification (germline): Uncertain significance (1 of 4 stars; one submission).

Conditions:
Familial cold autoinflammatory syndrome 4 (FCAS4). Identifiers: Orphanet 47045, Orphanet 576349, MedGen C4015276, MONDO:0014498, OMIM 616115.
Periodic fever-infantile enterocolitis-autoinflammatory syndrome. Also called: Autoinflammation with infantile enterocolitis. Identifiers: Orphanet 436166, MedGen C4015067, MONDO:0014472, OMIM 616050.

Submission:

Labcorp Genetics (formerly Invitae), Labcorp
Classification: Uncertain significance for Periodic fever-infantile enterocolitis-autoinflammatory syndrome; Familial cold autoinflammatory syndrome 4. Last evaluated: 2020-07-24. Review status: criteria provided, single submitter. Criteria: Invitae Variant Classification Sherloc (09022015). Collection method: clinical testing. Allele origin: germline.
Comment: This sequence change replaces tyrosine with serine at codon 585 of the NLRC4 protein (p.Tyr585Ser). The tyrosine residue is highly conserved and there is a large physicochemical difference between tyrosine and serine. This variant is not present in population databases (ExAC no frequency). This variant has not been reported in the literature in individuals with NLRC4-related conditions. Algorithms developed to predict the effect of missense changes on protein structure and function are either unavailable or do not agree on the potential impact of this missense change (SIFT: "Deleterious"; PolyPhen-2: "Possibly Damaging"; Align-GVGD: "Class C15"). In summary, the available evidence is currently insufficient to determine the role of this variant in disease. Therefore, it has been classified as a Variant of Uncertain Significance.